The following is an entry in ClinVar:

ClinVar aggregate classification (germline): other (0 of 4 stars; one submission).

Conditions:
Familial colorectal cancer. Identifiers: MedGen CN280943, MONDO:0023113. Disease mechanism: loss of function.

Submission:

Systems Biology Platform Zhejiang California International NanoSystems Institute
Classification: other for Familial colorectal cancer. Review status: no assertion criteria provided. Collection method: not provided. Allele origin: unknown.
ClinVar note: Converted during submission from cancer to other.

NM_000038.6(APC):c.-18-2625C>A

Gene: APC (APC regulator of WNT signaling pathway; plus strand). Cytogenetic location: 5q22.2.
Variant type: single nucleotide variant.
Coding change: c.-18-2625C>A on transcript NM_000038.6 (MANE Select); 2625 bases into the intron before 18 bases upstream of the start codon, C replaced by A.
Molecular consequence: intron variant.
Genome position (GRCh38, 1-based): chr5:112,752,248, C>A. VCF-style: chr5-112752248-C-A. GRCh37 (hg19) VCF-style: chr5-112087945-C-A.
Other names: c.-18-2625C>A (NM_001354895.2, NM_001127510.3, NM_001354896.2 and 2 more transcripts); c.166-14078C>A (NM_001354897.2, NM_001354902.2, NM_001127511.3); c.60+13788C>A (NM_001354898.2, NM_001354904.2); c.-1053-2625C>A (NM_001354906.2); c.-42-14078C>A (NM_001354900.2, NM_001354901.2, NM_001354905.2).
Identifiers: ClinVar variation 82805 (VCV000082805.2), dbSNP rs78847434, ClinGen allele CA006058.
Genomic context (GRCh38, chr5:112,752,248, plus strand): 5'-CATATTTTCCTCATTTCATCTAAAAATGCTGGAAAATATATCTTTGTTTTTCCATGAAAA[C>A]AAAACAATAAAAGCAGCTCCATTAATGTAAAAAAGAAGTGATCTCAAACTTCTGAAAATA-3'